The following is an entry in ClinVar:

NM_014639.4(SKIC3):c.4196C>G (p.Ser1399Cys)

Gene: SKIC3 (SKI3 subunit of superkiller complex; minus strand). Cytogenetic location: 5q15.
Variant type: single nucleotide variant.
Coding change: c.4196C>G on transcript NM_014639.4 (MANE Select); coding-DNA position 4196, C replaced by G.
Protein change: p.Ser1399Cys; replaces serine 1399 with cysteine.
Molecular consequence: missense variant.
Genome position (GRCh38, 1-based): chr5:95,482,489, G>C on the plus strand (C>G on the coding strand, the complement: SKIC3 is on the minus strand). VCF-style: chr5-95482489-G-C. GRCh37 (hg19) VCF-style: chr5-94818193-G-C.
Other names: short protein forms S1399C.
Identifiers: ClinVar variation 2074591 (VCV002074591.1), dbSNP rs184421389, ClinGen allele CA3346481.

ClinVar aggregate classification (germline): Uncertain significance (1 of 4 stars; one submission).

Allele frequency attached by ClinVar (database versions not stated): gnomAD exomes 0.00010; ExAC 0.00011; gnomAD 0.00014; TOPMed 0.00029; 1000 Genomes Project 0.00040; 1000 Genomes Project 30x 0.00047.
gnomAD v4.1: 167 of 1,614,022 alleles (0.01%); highest among the groups gnomAD compares: Admixed American, 0.065%; 1 homozygote.

Submission:

Labcorp Genetics (formerly Invitae), Labcorp
Classification: Uncertain significance. Last evaluated: 2022-06-30. Review status: criteria provided, single submitter. Criteria: Invitae Variant Classification Sherloc (09022015). Collection method: clinical testing. Allele origin: germline.
Comment: This sequence change replaces serine, which is neutral and polar, with cysteine, which is neutral and slightly polar, at codon 1399 of the TTC37 protein (p.Ser1399Cys). This variant is present in population databases (rs184421389, gnomAD 0.03%). This variant has not been reported in the literature in individuals affected with TTC37-related conditions. Algorithms developed to predict the effect of missense changes on protein structure and function are either unavailable or do not agree on the potential impact of this missense change (SIFT: "Deleterious"; PolyPhen-2: "Probably Damaging"; Align-GVGD: "Class C15"). In summary, the available evidence is currently insufficient to determine the role of this variant in disease. Therefore, it has been classified as a Variant of Uncertain Significance.